The following is an entry in ClinVar:

ClinVar aggregate classification (germline): Likely pathogenic (1 of 4 stars; one submission).

Conditions:
Obesity due to leptin receptor gene deficiency. Identifiers: Orphanet 179494, MedGen C3554225, MONDO:0013992, OMIM 614963.

Submission:

Institute of Human Genetics, University of Leipzig Medical Center
Classification: Likely pathogenic for Obesity due to leptin receptor gene deficiency. Last evaluated: 2022-11-29. Review status: criteria provided, single submitter. Criteria: ACMG Guidelines, 2015. Collection method: clinical testing. Allele origin: unknown. Inheritance: Autosomal recessive inheritance. Affected: yes.
Comment: Criteria applied: PVS1,PM2_SUP

NM_002303.6(LEPR):c.1967dup (p.Glu657fs)

Gene: LEPR (leptin receptor; plus strand). Cytogenetic location: 1p31.3.
Variant type: Duplication.
Coding change: c.1967dup on transcript NM_002303.6 (MANE Select); coding-DNA position 1967, one base duplicated (A; older notation c.1967dupA).
Protein change: p.Glu657fs; shifts the reading frame from glutamic acid 657.
Molecular consequence: frameshift variant.
Genome position (GRCh38, 1-based): chr1:65,610,268, A duplicated; the last of 5 consecutive A bases (chr1:65,610,264-65,610,268); duplicating any one gives the same sequence. VCF-style (leftmost placement, unchanged base first): chr1-65610263-G-GA. GRCh37 (hg19) VCF-style: chr1-66075946-G-GA.
Other names: c.1967dup, p.Glu657fs (NM_001003679.3, NM_001003680.3, NM_001198687.2 and 2 more transcripts); short protein forms E657fs.
Identifiers: ClinVar variation 3359113 (VCV003359113.2).